The following is an entry in ClinVar:

NM_002439.5(MSH3):c.2237C>T (p.Thr746Ile)

Gene: MSH3 (mutS homolog 3; plus strand). Cytogenetic location: 5q14.1.
Variant type: single nucleotide variant.
Coding change: c.2237C>T on transcript NM_002439.5 (MANE Select); coding-DNA position 2237, C replaced by T.
Protein change: p.Thr746Ile; replaces threonine 746 with isoleucine.
Molecular consequence: missense variant.
Genome position (GRCh38, 1-based): chr5:80,768,987, C>T. VCF-style: chr5-80768987-C-T. GRCh37 (hg19) VCF-style: chr5-80064806-C-T.
Other names: short protein forms T746I.
Identifiers: ClinVar variation 2451051 (VCV002451051.3), dbSNP rs2546774325, ClinGen allele CA360279767.

ClinVar aggregate classification (germline): Uncertain significance. Review status: criteria provided, multiple submitters, no conflicts (2 of 4 stars). 2 submissions from 2 submitters: Uncertain significance (2). Last evaluated 2025-12-22.

Conditions:
Hereditary cancer-predisposing syndrome. Also called: Neoplastic Syndromes, Hereditary; Tumor predisposition; Hereditary neoplastic syndrome; Hereditary Cancer Syndrome. Identifiers: Orphanet 140162, MedGen C0027672, MeSH D009386, MONDO:0015356.

Submissions (2):

Labcorp Genetics (formerly Invitae), Labcorp
Classification: Uncertain significance. Last evaluated: 2025-12-22. Review status: criteria provided, single submitter. Criteria: Invitae Variant Classification Sherloc (09022015). Collection method: clinical testing. Allele origin: germline.
Comment: This sequence change replaces threonine, which is neutral and polar, with isoleucine, which is neutral and non-polar, at codon 746 of the MSH3 protein (p.Thr746Ile). This variant is not present in population databases (gnomAD no frequency). This variant has not been reported in the literature in individuals affected with MSH3-related conditions. ClinVar contains an entry for this variant (Variation ID: 2451051). An algorithm developed to predict the effect of missense changes on protein structure and function (PolyPhen-2) suggests that this variant is likely to be disruptive. In summary, the available evidence is currently insufficient to determine the role of this variant in disease. Therefore, it has been classified as a Variant of Uncertain Significance.

Ambry Genetics
Classification: Uncertain significance for Hereditary cancer-predisposing syndrome. Last evaluated: 2022-12-09. Review status: criteria provided, single submitter. Criteria: Ambry Variant Classification Scheme 2023. Collection method: clinical testing. Allele origin: germline.
Comment: The p.T746I variant (also known as c.2237C>T), located in coding exon 15 of the MSH3 gene, results from a C to T substitution at nucleotide position 2237. The threonine at codon 746 is replaced by isoleucine, an amino acid with similar properties. This amino acid position is conserved. In addition, the in silico prediction for this alteration is inconclusive. Since supporting evidence is limited at this time, the clinical significance of this alteration remains unclear.